The following is an entry in ClinVar:

NM_033028.5(BBS4):c.1083C>A (p.Tyr361Ter)

Gene: BBS4 (Bardet-Biedl syndrome 4; plus strand). Cytogenetic location: 15q24.1.
Variant type: single nucleotide variant.
Coding change: c.1083C>A on transcript NM_033028.5 (MANE Select); coding-DNA position 1083, C replaced by A.
Protein change: p.Tyr361Ter; replaces tyrosine 361 with a stop codon.
Molecular consequence: nonsense. On other transcripts: non-coding transcript variant (2).
Genome position (GRCh38, 1-based): chr15:72,735,159, C>A. VCF-style: chr15-72735159-C-A. GRCh37 (hg19) VCF-style: chr15-73027500-C-A.
Other names: c.567C>A, p.Tyr189Ter (NM_001252678.2); c.1014C>A, p.Tyr338Ter (NM_001320665.2); short protein forms Y361*, Y189*, Y338*.
Identifiers: ClinVar variation 1922198 (VCV001922198.5), dbSNP rs749282837, ClinGen allele CA7646884.
Genomic context (GRCh38, chr15:72,735,159, plus strand): 5'-TTTCTTTGTTGCAGTGGCTCTGACCAATCTGGAAGATATAGAAAATGCCAAGAGAGCCTA[C>A]GCAGAAGCAGTCCACCTGGATAAGTATGCACTTTGTTGAGAATGGTACTGGCGGGGGTTG-3'

ClinVar aggregate classification (germline): Pathogenic (1 of 4 stars; one submission).

Conditions:
Bardet-Biedl syndrome (BBS). Identifiers: Orphanet 110, MedGen C0752166, MONDO:0015229.

Submission:

Labcorp Genetics (formerly Invitae), Labcorp
Classification: Pathogenic for Bardet-Biedl syndrome. Last evaluated: 2022-04-12. Review status: criteria provided, single submitter. Criteria: Invitae Variant Classification Sherloc (09022015). Collection method: clinical testing. Allele origin: germline.
Comment: This variant is present in population databases (rs749282837, gnomAD 0.0009%). For these reasons, this variant has been classified as Pathogenic. Algorithms developed to predict the effect of sequence changes on RNA splicing suggest that this variant may disrupt the consensus splice site. This variant has not been reported in the literature in individuals affected with BBS4-related conditions. This sequence change creates a premature translational stop signal (p.Tyr361*) in the BBS4 gene. It is expected to result in an absent or disrupted protein product. Loss-of-function variants in BBS4 are known to be pathogenic (PMID: 11381270, 12016587, 20177705, 27894351).

Literature cited by the submitters: PubMed 11381270; PubMed 12016587; PubMed 20177705; PubMed 27894351.